The following is an entry in ClinVar:

NM_001113378.2(FANCI):c.3282G>T (p.Lys1094Asn)

Gene: FANCI (FA complementation group I; plus strand). Cytogenetic location: 15q26.1.
Variant type: single nucleotide variant.
Coding change: c.3282G>T on transcript NM_001113378.2 (MANE Select); coding-DNA position 3282, G replaced by T.
Protein change: p.Lys1094Asn; replaces lysine 1094 with asparagine.
Molecular consequence: missense variant.
Genome position (GRCh38, 1-based): chr15:89,305,631, G>T. VCF-style: chr15-89305631-G-T. GRCh37 (hg19) VCF-style: chr15-89848862-G-T.
Other names: c.3003G>T, p.Lys1001Asn (NM_001376910.1); c.3282G>T, p.Lys1094Asn (NM_001376911.1); c.3102G>T, p.Lys1034Asn (NM_018193.3); short protein forms K1001N, K1094N, K1034N.
Identifiers: ClinVar variation 4778605 (VCV004778605.1).

ClinVar aggregate classification (germline): Uncertain significance (1 of 4 stars; one submission).

Conditions:
Fanconi anemia (FA). Also called: Fanconi's anemia. Identifiers: Orphanet 84, MedGen C0015625, MeSH D005199, MONDO:0019391.

gnomAD v4.1: 3 of 1,614,194 alleles (0.00019%); highest among the groups gnomAD compares: Non-Finnish European, 0.00025%; no homozygotes.

Submission:

Labcorp Genetics (formerly Invitae), Labcorp
Classification: Uncertain significance for Fanconi anemia. Last evaluated: 2025-11-30. Review status: criteria provided, single submitter. Criteria: Invitae Variant Classification Sherloc (09022015). Collection method: clinical testing. Allele origin: germline.
Comment: This sequence change replaces lysine, which is basic and polar, with asparagine, which is neutral and polar, at codon 1094 of the FANCI protein (p.Lys1094Asn). This variant is present in population databases (rs770979600, gnomAD 0.002%). This variant has not been reported in the literature in individuals affected with FANCI-related conditions. Invitae Evidence Modeling of protein sequence and biophysical properties (such as structural, functional, and spatial information, amino acid conservation, physicochemical variation, residue mobility, and thermodynamic stability) indicates that this missense variant is not expected to disrupt FANCI protein function with a negative predictive value of 80%. In summary, the available evidence is currently insufficient to determine the role of this variant in disease. Therefore, it has been classified as a Variant of Uncertain Significance.